The following is an entry in ClinVar:

ClinVar aggregate classification (germline): Uncertain significance (1 of 4 stars; one submission).

Conditions:
Cardioacrofacial dysplasia 1. Identifiers: MedGen C5436885, MONDO:0030876, OMIM 619142.

gnomAD v4.1: 129 of 1,096,120 alleles (0.012%); highest among the groups gnomAD compares: Non-Finnish European, 0.014%; no homozygotes.

Submission:

Clinical Genomics Laboratory, Washington University in St. Louis
Classification: Uncertain significance for Cardioacrofacial dysplasia 1. Last evaluated: 2024-06-27. Review status: criteria provided, single submitter. Criteria: ACMG Guidelines, 2015. Collection method: clinical testing. Allele origin: germline.
Comment: A PRKACA c.254G>A (p.Arg85Gln) variant was identified at a heterozygous allelic fraction of 50%, a frequency which may be consistent with germline origin. This variant, to our knowledge, has not been reported in the medical literature. It is observed on 129/1,096,120 alleles in the general population (gnomAD v.4.1.0). This variant occurs in the intron in the canonical transcript of the gene and computational predictors indicate that the variant has no impact on splicing, however, it is a missense variant in an alternate transcript and in silico predictions are not available. Due to limited information, and based on ACMG/AMP guidelines for variant interpretation (Richards S et al., PMID: 25741868), the clinical significance of this variant is uncertain at this time.

NM_002730.4(PRKACA):c.47-322G>A

Gene: PRKACA (protein kinase cAMP-activated catalytic subunit alpha; minus strand). Cytogenetic location: 19p13.12.
Variant type: single nucleotide variant.
Coding change: c.47-322G>A on transcript NM_002730.4 (MANE Select); 322 bases into the intron before coding-DNA position 47, G replaced by A.
Molecular consequence: intron variant. On other transcripts: missense variant (1).
Genome position (GRCh38, 1-based): chr19:14,107,731, C>T on the plus strand (G>A on the coding strand, the complement: PRKACA is on the minus strand). VCF-style: chr19-14107731-C-T. GRCh37 (hg19) VCF-style: chr19-14218543-C-T.
Other names: c.254G>A, p.Arg85Gln (NM_001304349.2); c.23-322G>A (NM_207518.3); short protein forms R85Q.
Identifiers: ClinVar variation 3600495 (VCV003600495.1).